The following is an entry in ClinVar:

ClinVar aggregate classification (germline): Pathogenic. Review status: reviewed by expert panel (3 of 4 stars). 3 submissions from 3 submitters: Pathogenic (1). 2 of the submissions do not count toward it. Last evaluated 2016-10-18.

Conditions:
Hereditary breast ovarian cancer syndrome. Also called: Hereditary breast and ovarian cancer syndrome (HBOC); Hereditary breast and ovarian cancer syndrome; Hereditary breast and ovarian cancer; Hereditary breast and/or ovarian cancer syndrome; Breast and ovarian cancer; BRCA1- and BRCA2-Associated Hereditary Breast and Ovarian Cancer. Identifiers: Orphanet 145, MedGen C0677776, MeSH D061325, MONDO:0003582. Disease mechanism: loss of function.
Breast-ovarian cancer, familial, susceptibility to, 1 (BROVCA1). Also called: OVARIAN CANCER, SUSCEPTIBILITY TO; BRCA1 Hereditary Breast and Ovarian Cancer. Identifiers: Orphanet 145, MedGen C2676676, MONDO:0011450, OMIM 604370. Disease mechanism: loss of function.

Submissions (3):

Evidence-based Network for the Interpretation of Germline Mutant Alleles (ENIGMA)
Classification: Pathogenic for Breast-ovarian cancer, familial, susceptibility to, 1. Last evaluated: 2016-10-18. Review status: reviewed by expert panel. Criteria: ENIGMA BRCA1/2 Classification Criteria (2015). Collection method: curation. Allele origin: germline.
Comment: Variant allele predicted to encode a truncated non-functional protein.

Consortium of Investigators of Modifiers of BRCA1/2 (CIMBA), c/o University of Cambridge
Classification: Pathogenic for Breast-ovarian cancer, familial, susceptibility to, 1. Last evaluated: 2015-10-02. Review status: criteria provided, single submitter. Criteria: CIMBA Mutation Classification guidelines May 2016. Collection method: clinical testing. Allele origin: germline. Not counted in ClinVar's aggregate classification.

Research Molecular Genetics Laboratory, Women's College Hospital, University of Toronto
Classification: Pathogenic for Hereditary breast ovarian cancer syndrome. Last evaluated: 2014-01-31. Review status: no assertion criteria provided. Collection method: research. Allele origin: germline. Affected: yes. Study: The Canadian Open Genetics Repository (COGR). Not counted in ClinVar's aggregate classification.

NM_007294.4(BRCA1):c.3333_3336del (p.Gln1111fs)

Genes: BRCA1 (BRCA1 DNA repair associated; minus strand), LOC126862571 (BRD4-independent group 4 enhancer GRCh37_chr17:41243136-41244335; plus strand). Cytogenetic location: 17q21.31.
Variant type: Deletion.
Coding change: c.3333_3336del on transcript NM_007294.4 (MANE Select); coding-DNA positions 3333 to 3336, 4 bases deleted (AGAA; older notation c.3333_3336delAGAA).
Protein change: p.Gln1111fs; shifts the reading frame from glutamine 1111.
Molecular consequence: frameshift variant. On other transcripts: intron variant (137).
Genome position (GRCh38, 1-based): chr17:43,092,195-43,092,198, TTCT deleted on the plus strand (AGAA on the coding strand, the reverse complement: BRCA1 is on the minus strand); deleting any 4 consecutive bases within chr17:43,092,195-43,092,199 gives the same sequence; the c. name uses the placement nearest the transcript's 3' end. VCF-style (leftmost placement, unchanged base first): chr17-43092194-ATTCT-A. GRCh37 (hg19) VCF-style: chr17-41244211-ATTCT-A.
Other names: 3452del4-ter1115; c.3333_3336delAGAA (NM_007294.3); c.2997_3000del, p.Gln999fs (NM_001407955.1, NM_001407956.1, NM_001407958.1 and 1 more transcripts); c.3000_3003del, p.Gln1000fs (NM_001407957.1, NM_001407946.1, NM_001407947.1 and 6 more transcripts); c.2952_2955del, p.Gln984fs (NM_001407959.1, NM_001407960.1, NM_001407963.1); c.2949_2952del, p.Gln983fs (NM_001407962.1); c.3189_3192del, p.Gln1063fs (NM_001407964.1, NM_001407740.1, NM_001407741.1 and 20 more transcripts); c.2829_2832del, p.Gln943fs (NM_001407965.1); and 43 more; short protein forms Q1064fs, Q1111fs, Q1069fs, Q1084fs, Q1110fs, Q984fs, Q1000fs, Q1023fs.
Identifiers: ClinVar variation 54846 (VCV000054846.7), dbSNP rs397509057, ClinGen allele CA002160.